The following is an entry in ClinVar:

ClinVar aggregate classification (germline): Uncertain significance (1 of 4 stars; one submission).

Allele frequency attached by ClinVar (database versions not stated): TOPMed below 0.00001; ExAC 0.00001; gnomAD 0.00001; gnomAD exomes 0.00001.
gnomAD v4.1: 3 of 1,613,736 alleles (0.00019%); highest among the groups gnomAD compares: African/African-American, 0.0013%; no homozygotes.

Submission:

Labcorp Genetics (formerly Invitae), Labcorp
Classification: Uncertain significance. Last evaluated: 2021-11-27. Review status: criteria provided, single submitter. Criteria: Invitae Variant Classification Sherloc (09022015). Collection method: clinical testing. Allele origin: germline.
Comment: This sequence change replaces proline, which is neutral and non-polar, with threonine, which is neutral and polar, at codon 236 of the PCLO protein (p.Pro236Thr). This variant is present in population databases (rs746156034, gnomAD 0.002%). This variant has not been reported in the literature in individuals affected with PCLO-related conditions. Algorithms developed to predict the effect of missense changes on protein structure and function output the following: SIFT: "Tolerated"; PolyPhen-2: "Not Available"; Align-GVGD: "Class C0". The threonine amino acid residue is found in multiple mammalian species, which suggests that this missense change does not adversely affect protein function. In summary, the available evidence is currently insufficient to determine the role of this variant in disease. Therefore, it has been classified as a Variant of Uncertain Significance.

NM_033026.6(PCLO):c.706C>A (p.Pro236Thr)

Gene: PCLO (piccolo presynaptic cytomatrix protein; minus strand). Cytogenetic location: 7q21.11.
Variant type: single nucleotide variant.
Coding change: c.706C>A on transcript NM_033026.6 (MANE Select); coding-DNA position 706, C replaced by A.
Protein change: p.Pro236Thr; replaces proline 236 with threonine.
Molecular consequence: missense variant.
Genome position (GRCh38, 1-based): chr7:83,155,935, G>T on the plus strand (C>A on the coding strand, the complement: PCLO is on the minus strand). VCF-style: chr7-83155935-G-T. GRCh37 (hg19) VCF-style: chr7-82785251-G-T.
Other names: c.706C>A, p.Pro236Thr (NM_014510.3); short protein forms P236T.
Identifiers: ClinVar variation 1375145 (VCV001375145.3), dbSNP rs746156034, ClinGen allele CA4321617.